The following is an entry in ClinVar:

ClinVar aggregate classification (germline): Uncertain significance (0 of 4 stars; one submission).

Conditions:
BDNF-related disorder. Also called: BDNF-related condition.

gnomAD v4.1: 6 of 1,361,558 alleles (0.00044%); highest among the groups gnomAD compares: Middle Eastern, 0.021%; no homozygotes.

Submission:

PreventionGenetics, part of Exact Sciences
Classification: Uncertain significance for BDNF-related condition. Last evaluated: 2024-08-07. Review status: no assertion criteria provided. Collection method: clinical testing. Allele origin: germline.
Comment: The BDNF c.28C>A variant is predicted to result in the amino acid substitution p.Arg10Ser. To our knowledge, this variant has not been reported in the literature. This variant is reported in 0.0059% of alleles in individuals of Latino descent in gnomAD. At this time, the clinical significance of this variant is uncertain due to the absence of conclusive functional and genetic evidence.

NM_001143809.2(BDNF):c.28C>A (p.Arg10Ser)

Gene: BDNF (brain derived neurotrophic factor; minus strand). Cytogenetic location: 11p14.1.
Variant type: single nucleotide variant.
Coding change: c.28C>A on transcript NM_001143809.2; coding-DNA position 28, C replaced by A.
Protein change: p.Arg10Ser; replaces arginine 10 with serine.
Molecular consequence: missense variant. On other transcripts: 5 prime UTR variant (3), intron variant (6).
Genome position (GRCh38, 1-based): chr11:27,701,009, G>T on the plus strand (C>A on the coding strand, the complement: BDNF is on the minus strand). VCF-style: chr11-27701009-G-T. GRCh37 (hg19) VCF-style: chr11-27722556-G-T.
Other names: c.-50C>A (NM_001143808.2); c.-97C>A (NM_001143810.2); c.-460C>A (NM_001143811.2); c.3+20403C>A (NM_170731.5); c.-22+19635C>A (NM_001143805.1); c.-22+19420C>A (NM_001143806.1); c.-22+19337C>A (NM_170732.4); c.-22+18502C>A (NM_001143807.2); and 1 more; short protein forms R10S.
Identifiers: ClinVar variation 3353581 (VCV003353581.1).